The following is an entry in ClinVar:

NM_000051.4(ATM):c.8690del (p.Gly2897fs)

Genes: ATM (ATM serine/threonine kinase; plus strand), C11orf65 (chromosome 11 open reading frame 65; minus strand). Cytogenetic location: 11q22.3.
Variant type: Deletion.
Coding change: c.8690del on transcript NM_000051.4 (MANE Select); coding-DNA position 8690, one base deleted (G; older notation c.8690delG).
Protein change: p.Gly2897fs; shifts the reading frame from glycine 2897.
Molecular consequence: frameshift variant. On other transcripts: intron variant (2).
Genome position (GRCh38, 1-based): chr11:108,353,784, G deleted; the last of 3 consecutive G bases (chr11:108,353,782-108,353,784); deleting any one gives the same sequence. VCF-style (leftmost placement, unchanged base first): chr11-108353781-AG-A. GRCh37 (hg19) VCF-style: chr11-108224508-AG-A.
Other names: c.8690del, p.Gly2897fs (NM_001351834.2); c.640+32138del (NM_001330368.2); c.695-18490del (NM_001351110.2); short protein forms G2897fs.
Identifiers: ClinVar variation 1074638 (VCV001074638.8), dbSNP rs2137286889, ClinGen allele CA2499220735.

ClinVar aggregate classification (germline): Pathogenic. Review status: criteria provided, multiple submitters, no conflicts (2 of 4 stars). 2 submissions from 2 submitters: Pathogenic (2). Last evaluated 2025-12-09.

Conditions:
Hereditary cancer-predisposing syndrome. Also called: Neoplastic Syndromes, Hereditary; Tumor predisposition; Hereditary Cancer Syndrome; Hereditary neoplastic syndrome. Identifiers: Orphanet 140162, MedGen C0027672, MeSH D009386, MONDO:0015356.
Ataxia-telangiectasia syndrome (AT). Also called: Ataxia telangiectasia (A-T); ATAXIA-TELANGIECTASIA, COMPLEMENTATION GROUP A; ATAXIA-TELANGIECTASIA, FRESNO VARIANT; Ataxia-telangiectasia; Ataxia-telangiectasia, complementation group E; LOUIS-BAR SYNDROME. Identifiers: Orphanet 100, MedGen C0004135, MONDO:0008840, OMIM 208900.

Submissions (2):

Ambry Genetics
Classification: Pathogenic for Hereditary cancer-predisposing syndrome. Last evaluated: 2025-12-09. Review status: criteria provided, single submitter. Criteria: Ambry Variant Classification Scheme 2023. Collection method: clinical testing. Allele origin: germline.
Comment: The c.8690delG pathogenic mutation, located in coding exon 59 of the ATM gene, results from a deletion of one nucleotide at nucleotide position 8690, causing a translational frameshift with a predicted alternate stop codon (p.G2897Afs*41). This variant is considered to be rare based on population cohorts in the Genome Aggregation Database (gnomAD). This alteration is expected to result in loss of function by premature protein truncation or nonsense-mediated mRNA decay. As such, this alteration is interpreted as a disease-causing mutation.

Labcorp Genetics (formerly Invitae), Labcorp
Classification: Pathogenic for Ataxia-telangiectasia syndrome. Last evaluated: 2024-02-19. Review status: criteria provided, single submitter. Criteria: Invitae Variant Classification Sherloc (09022015). Collection method: clinical testing. Allele origin: germline.
Comment: This sequence change creates a premature translational stop signal (p.Gly2897Alafs*41) in the ATM gene. It is expected to result in an absent or disrupted protein product. Loss-of-function variants in ATM are known to be pathogenic (PMID: 23807571, 25614872). This variant is not present in population databases (gnomAD no frequency). This variant has not been reported in the literature in individuals affected with ATM-related conditions. ClinVar contains an entry for this variant (Variation ID: 1074638). For these reasons, this variant has been classified as Pathogenic.

Literature cited by the submitters: PubMed 23807571 (cited by Labcorp Genetics (formerly Invitae), Labcorp); PubMed 25614872 (cited by Labcorp Genetics (formerly Invitae), Labcorp).